The following is an entry in ClinVar:

ClinVar aggregate classification (germline): Uncertain significance (1 of 4 stars; one submission).

gnomAD v4.1: 2 of 1,614,120 alleles (0.00012%); highest among the groups gnomAD compares: Non-Finnish European, 0.000085%; no homozygotes.

Submission:

Dasa
Classification: Uncertain significance. Last evaluated: 2026-03-23. Review status: criteria provided, single submitter. Criteria: DASA Assertion Criteria. Collection method: clinical testing. Allele origin: germline.
Comment: NM_139318.5(KCNH5):c.1678C>T (p.Arg560Cys) is a missense variant that results in the substitution of arginine with cysteine. This variant is rare in population databases. Computational prediction algorithms are consistent with a deleterious effect. The currently available literature and clinical evidence are not sufficient to establish a definitive association between this variant and the reported condition. Therefore, this variant is classified as a variant of uncertain significance.

NM_139318.5(KCNH5):c.1678C>T (p.Arg560Cys)

Gene: KCNH5 (potassium voltage-gated channel subfamily H member 5; minus strand). Cytogenetic location: 14q23.2.
Variant type: single nucleotide variant.
Coding change: c.1678C>T on transcript NM_139318.5 (MANE Select); coding-DNA position 1678, C replaced by T.
Protein change: p.Arg560Cys; replaces arginine 560 with cysteine.
Molecular consequence: missense variant.
Genome position (GRCh38, 1-based): chr14:62,802,473, G>A on the plus strand (C>T on the coding strand, the complement: KCNH5 is on the minus strand). VCF-style: chr14-62802473-G-A. GRCh37 (hg19) VCF-style: chr14-63269191-G-A.
Other names: c.1678C>T, p.Arg560Cys (NM_172375.3); short protein forms R560C.
Identifiers: ClinVar variation 4885814 (VCV004885814.2).
Genomic context (GRCh38, chr14:62,802,473, plus strand): 5'-CATGGTAAATGAGGTCCCCGGGAGCACAGTGAATGGTTTGGAACTCTACCGCCAAGGCGC[G>A]CAGACACCCATCGCTGGCCAATCGAAAAGCAGGATGTTCATTAAAAACCTTCCGGTTTAG-3'
Protein context (NP_647479.2, residues 550-570): AFRLASDGCL[Arg560Cys]ALAVEFQTIH